The following is an entry in ClinVar:

NM_001184.4(ATR):c.4702G>A (p.Asp1568Asn)

Gene: ATR (ATR serine/threonine kinase; minus strand). Cytogenetic location: 3q23.
Variant type: single nucleotide variant.
Coding change: c.4702G>A on transcript NM_001184.4 (MANE Select); coding-DNA position 4702, G replaced by A.
Protein change: p.Asp1568Asn; replaces aspartic acid 1568 with asparagine.
Molecular consequence: missense variant.
Genome position (GRCh38, 1-based): chr3:142,512,410, C>T on the plus strand (G>A on the coding strand, the complement: ATR is on the minus strand). VCF-style: chr3-142512410-C-T. GRCh37 (hg19) VCF-style: chr3-142231252-C-T.
Other names: c.4510G>A, p.Asp1504Asn (NM_001354579.2); short protein forms D1504N, D1568N.
Identifiers: ClinVar variation 3462530 (VCV003462530.1).

ClinVar aggregate classification (germline): Uncertain significance (1 of 4 stars; one submission).

Conditions:
Inborn genetic diseases. Identifiers: MedGen C0950123, MeSH D030342.

Submission:

Ambry Genetics
Classification: Uncertain significance for Inborn genetic diseases. Last evaluated: 2024-08-12. Review status: criteria provided, single submitter. Criteria: Ambry Variant Classification Scheme 2023. Collection method: clinical testing. Allele origin: germline.
Comment: The p.D1568N variant (also known as c.4702G>A), located in coding exon 27 of the ATR gene, results from a G to A substitution at nucleotide position 4702. The aspartic acid at codon 1568 is replaced by asparagine, an amino acid with highly similar properties. This amino acid position is conserved. In addition, this alteration is predicted to be tolerated by in silico analysis. Based on the available evidence, the clinical significance of this variant remains unclear.